The following is an entry in ClinVar:

ClinVar aggregate classification (germline): Benign (1 of 4 stars; one submission).

Conditions:
Melanoma, cutaneous malignant, susceptibility to, 3. Also called: Cutaneous malignant melanoma 3. Identifiers: Orphanet 618, MedGen C1836892, MONDO:0012183, OMIM 609048.

Submission:

Myriad Genetics, Inc.
Classification: Benign for Melanoma, cutaneous malignant, susceptibility to, 3. Last evaluated: 2024-09-24. Review status: criteria provided, single submitter. Criteria: Myriad Autosomal Dominant, Autosomal Recessive and X-Linked Classification Criteria (2023). Collection method: clinical testing. Allele origin: unknown.
Comment: This variant is considered benign. This variant is a silent/synonymous amino acid change and it is not expected to impact splicing.

NM_000075.4(CDK4):c.108T>C (p.Ser36=)

Gene: CDK4 (cyclin dependent kinase 4; minus strand). Cytogenetic location: 12q14.1.
Variant type: single nucleotide variant.
Coding change: c.108T>C on transcript NM_000075.4 (MANE Select); coding-DNA position 108, T replaced by C.
Protein change: p.Ser36=; no amino-acid change (serine 36 retained).
Molecular consequence: synonymous variant.
Genome position (GRCh38, 1-based): chr12:57,751,610, A>G on the plus strand (T>C on the coding strand, the complement: CDK4 is on the minus strand). VCF-style: chr12-57751610-A-G. GRCh37 (hg19) VCF-style: chr12-58145393-A-G.
Identifiers: ClinVar variation 3379034 (VCV003379034.1).